The following is an entry in ClinVar:

NM_001286.5(CLCN6):c.361A>G (p.Ser121Gly)

Gene: CLCN6 (Cl-/H+ antiporter 6; plus strand). Cytogenetic location: 1p36.22.
Variant type: single nucleotide variant.
Coding change: c.361A>G on transcript NM_001286.5 (MANE Select); coding-DNA position 361, A replaced by G.
Protein change: p.Ser121Gly; replaces serine 121 with glycine.
Molecular consequence: missense variant. On other transcripts: non-coding transcript variant (1).
Genome position (GRCh38, 1-based): chr1:11,822,709, A>G. VCF-style: chr1-11822709-A-G. GRCh37 (hg19) VCF-style: chr1-11882766-A-G.
Other names: c.295A>G, p.Ser99Gly (NM_001256959.2); short protein forms S121G, S99G.
Identifiers: ClinVar variation 2051902 (VCV002051902.4), dbSNP rs556415452, ClinGen allele CA17993002.

ClinVar aggregate classification (germline): Uncertain significance (1 of 4 stars; one submission).

Allele frequency attached by ClinVar (database versions not stated): gnomAD 0.00001; gnomAD exomes 0.00001; TOPMed 0.00001.
gnomAD v4.1: 8 of 1,613,092 alleles (0.0005%); highest among the groups gnomAD compares: Non-Finnish European, 0.00068%; no homozygotes.

Submission:

Labcorp Genetics (formerly Invitae), Labcorp
Classification: Uncertain significance. Last evaluated: 2024-06-24. Review status: criteria provided, single submitter. Criteria: Invitae Variant Classification Sherloc (09022015). Collection method: clinical testing. Allele origin: germline.
Comment: This sequence change replaces serine, which is neutral and polar, with glycine, which is neutral and non-polar, at codon 121 of the CLCN6 protein (p.Ser121Gly). This variant is not present in population databases (gnomAD no frequency). This variant has not been reported in the literature in individuals affected with CLCN6-related conditions. ClinVar contains an entry for this variant (Variation ID: 2051902). An algorithm developed to predict the effect of missense changes on protein structure and function (PolyPhen-2) suggests that this variant is likely to be tolerated. In summary, the available evidence is currently insufficient to determine the role of this variant in disease. Therefore, it has been classified as a Variant of Uncertain Significance.